The following is an entry in ClinVar:

NM_000492.4(CFTR):c.274-2A>C

Gene: CFTR (CF transmembrane conductance regulator; plus strand). Cytogenetic location: 7q31.2.
Variant type: single nucleotide variant.
Coding change: c.274-2A>C on transcript NM_000492.4 (MANE Select); the canonical splice acceptor site of the intron before coding-DNA position 274, A replaced by C.
Molecular consequence: splice acceptor variant.
Genome position (GRCh38, 1-based): chr7:117,530,897, A>C. VCF-style: chr7-117530897-A-C. GRCh37 (hg19) VCF-style: chr7-117170951-A-C.
Other names: c.274-2A>C (NM_000492.3).
Identifiers: ClinVar variation 618914 (VCV000618914.15), dbSNP rs397508426, ClinGen allele CA368974171.
Genomic context (GRCh38, chr7:117,530,897, plus strand): 5'-TTCTCAGGGTATTTTATGAGAAATAAATGAAATTTAATTTCTCTGTTTTTCCCCTTTTGT[A>C]GGAAGTCACCAAAGCAGTACAGCCTCTCTTACTGGGAAGAATCATAGCTTCCTATGACCC-3'

ClinVar aggregate classification (germline): Pathogenic/Likely pathogenic. Review status: criteria provided, multiple submitters, no conflicts (2 of 4 stars). 4 submissions from 4 submitters: Pathogenic (2); Likely pathogenic (2). Last evaluated 2025-05-22.

Conditions:
Cystic fibrosis (CF). Also called: MUCOVISCIDOSIS. Identifiers: Orphanet 586, MedGen C0010674, MONDO:0009061, OMIM 219700. Disease mechanism: loss of function.
CFTR-related disorder (CFTR-RD). Also called: CFTR-related disorders; CFTR-related condition. Identifiers: MedGen C5924204, MONDO:7770004.

Submissions (4):

Natera, Inc.
Classification: Likely pathogenic for CFTR-related disorders. Last evaluated: 2025-05-22. Review status: criteria provided, single submitter. Criteria: Natera Variant Classification Schema (03/2026). Collection method: clinical testing. Allele origin: germline.
Comment: The c.274-2A>C variant in CFTR is a canonical splice acceptor site variant predicted to affect pre-mRNA splicing, which may result in an abnormal transcript and altered protein product. This variant is expected to result in nonsense mediated decay, truncation, or a dysfunctional protein product. This variant is rare in the general population with a frequency below the threshold expected for the associated phenotype(s). Given the available evidence, this variant is classified as Likely Pathogenic.

Women's Health and Genetics/Laboratory Corporation of America, LabCorp
Classification: Likely pathogenic for Cystic fibrosis. Last evaluated: 2024-03-26. Review status: criteria provided, single submitter. Criteria: LabCorp Variant Classification Summary - May 2015. Collection method: clinical testing. Allele origin: germline.
Comment: Variant summary: CFTR c.274-2A>C is located in a canonical splice-site and is predicted to affect mRNA splicing resulting in a significantly altered protein due to either exon skipping, shortening, or inclusion of intronic material. Several computational tools predict a significant impact on normal splicing: Four predict the variant abolishes a 3' acceptor site. Two predict the variant creates a 3' acceptor site. However, these predictions have yet to be confirmed by functional studies. The variant was absent in 250598 control chromosomes. c.274-2A>C has been reported in the literature in individuals affected with Disseminated Bronchitis (Girodon_1997). These report(s) do not provide unequivocal conclusions about association of the variant with Cystic Fibrosis. To our knowledge, no experimental evidence demonstrating an impact on protein function has been reported. The following publication have been ascertained in the context of this evaluation (PMID: 9272738). ClinVar contains an entry for this variant (Variation ID: 618914). Based on the evidence outlined above, the variant was classified as likely pathogenic.

Labcorp Genetics (formerly Invitae), Labcorp
Classification: Pathogenic for Cystic fibrosis. Last evaluated: 2024-01-11. Review status: criteria provided, single submitter. Criteria: Invitae Variant Classification Sherloc (09022015). Collection method: clinical testing. Allele origin: germline.
Comment: This sequence change affects an acceptor splice site in intron 3 of the CFTR gene. It is expected to disrupt RNA splicing. Variants that disrupt the donor or acceptor splice site typically lead to a loss of protein function (PMID: 16199547), and loss-of-function variants in CFTR are known to be pathogenic (PMID: 1695717, 7691345, 9725922). This variant is not present in population databases (gnomAD no frequency). Disruption of this splice site has been observed in individual(s) with chronic bronchiectasis and/or cystic fibrosis (PMID: 9272738, 9429141). This variant is also known as c.406-2A>C. ClinVar contains an entry for this variant (Variation ID: 618914). Algorithms developed to predict the effect of sequence changes on RNA splicing suggest that this variant may disrupt the consensus splice site. For these reasons, this variant has been classified as Pathogenic.

Mendelics
Classification: Pathogenic for Cystic fibrosis. Last evaluated: 2018-11-05. Review status: criteria provided, single submitter. Criteria: Mendelics Assertion Criteria 2017. Collection method: clinical testing. Allele origin: unknown. Affected: yes.

Literature cited by the submitters: PubMed 9272738 (cited by Women's Health and Genetics/Laboratory Corporation of America, LabCorp and Labcorp Genetics (formerly Invitae), Labcorp); PubMed 16199547 (cited by Labcorp Genetics (formerly Invitae), Labcorp); PubMed 1695717 (cited by Labcorp Genetics (formerly Invitae), Labcorp); PubMed 7691345 (cited by Labcorp Genetics (formerly Invitae), Labcorp); PubMed 9725922 (cited by Labcorp Genetics (formerly Invitae), Labcorp); PubMed 9429141 (cited by Labcorp Genetics (formerly Invitae), Labcorp).